The following is an entry in ClinVar:

ClinVar aggregate classification (germline): Uncertain significance (1 of 4 stars; one submission).

Submission:

Labcorp Genetics (formerly Invitae), Labcorp
Classification: Uncertain significance. Last evaluated: 2025-01-01. Review status: criteria provided, single submitter. Criteria: Invitae Variant Classification Sherloc (09022015). Collection method: clinical testing. Allele origin: germline.
Comment: This sequence change replaces glutamine, which is neutral and polar, with histidine, which is basic and polar, at codon 729 of the CUL3 protein (p.Gln729His). This variant is not present in population databases (gnomAD no frequency). This variant has not been reported in the literature in individuals affected with CUL3-related conditions. Invitae Evidence Modeling of protein sequence and biophysical properties (such as structural, functional, and spatial information, amino acid conservation, physicochemical variation, residue mobility, and thermodynamic stability) has been performed for this missense variant. However, the output from this modeling did not meet the statistical confidence thresholds required to predict the impact of this variant on CUL3 protein function. In summary, the available evidence is currently insufficient to determine the role of this variant in disease. Therefore, it has been classified as a Variant of Uncertain Significance.

NM_003590.5(CUL3):c.2187G>C (p.Gln729His)

Gene: CUL3 (cullin 3; minus strand). Cytogenetic location: 2q36.2.
Variant type: single nucleotide variant.
Coding change: c.2187G>C on transcript NM_003590.5 (MANE Select); coding-DNA position 2187, G replaced by C.
Protein change: p.Gln729His; replaces glutamine 729 with histidine.
Molecular consequence: missense variant.
Genome position (GRCh38, 1-based): chr2:224,474,365, C>G on the plus strand (G>C on the coding strand, the complement: CUL3 is on the minus strand). VCF-style: chr2-224474365-C-G. GRCh37 (hg19) VCF-style: chr2-225339082-C-G.
Other names: c.1989G>C, p.Gln663His (NM_001257197.2); c.2205G>C, p.Gln735His (NM_001257198.2); short protein forms Q663H, Q729H, Q735H.
Identifiers: ClinVar variation 3720521 (VCV003720521.2).